The following continues an entry in ClinVar:

NM_007194.4(CHEK2):c.434G>A (p.Arg145Gln)

Gene: CHEK2. ClinVar aggregate classification (germline): Conflicting classifications of pathogenicity. Uncertain significance (17); Likely benign (1).

Submissions 7 to 20 of 20:

Molecular Diagnostics Laboratory, Catalan Institute of Oncology
Classification: Uncertain significance for Hereditary cancer-predisposing syndrome. Last evaluated: 2025-07-10. Review status: criteria provided, single submitter. Criteria: ACMG Guidelines, 2015. Collection method: clinical testing. Allele origin: germline.
Comment: PM2_Supporting, PP3, BS3_Moderate c.434G>A, located in exon 3 of the CHEK2 gene, is predicted to result in the substitution of arginine with glutamine at codon 145, p.(Arg145Gln). This variant affects a not highly conserved amino acid in the FHA domain. This variant is found in 2/268166 alleles at a frequency of 0,0007% in the gnomAD v2.1.1 database, non-cancer dataset (PM2_Supporting). The SpliceAI algorithm predicts no significant impact on splicing. The REVEL meta-predictor score for this variant (0.678) suggests a deleterious effect on protein function according to Pejaver 2022 thresholds (PMID: 36413997)(PP3). Functional studies (kinase activity in human cells and DNA-damage response in yeast cells) have shown that this variant has no damaging effect (PMID: 30851065, 37449874) (BS3_Moderate). It has been reported in 2 case-control studies, accounting for 7 out of 64,702 healthy controls and 5 out of 67,517 breast cancer cases (PMID: 33471991, 30287823). This variant has been reported in the ClinVar database (14x uncertain significance), and in LOVD (1x uncertain significance and 1x pathogenic). Based on currently available information, CHEK2 c.434G>A should be considered an uncertain significance variant according to ACMG/AMP classification guidelines.

Color Diagnostics, LLC DBA Color Health
Classification: Uncertain significance for Hereditary cancer-predisposing syndrome. Last evaluated: 2025-01-07. Review status: criteria provided, single submitter. Criteria: ACMG Guidelines, 2015. Collection method: clinical testing. Allele origin: germline.
Comment: This missense variant replaces arginine with glutamine at codon 145 of the CHEK2 protein. Computational prediction is inconclusive regarding the impact of this variant on protein structure and function. A yeast based DNA damage repair assay reported this variant did not impact cell growth and proliferation in the presence of a DNA damaging agent (PMID: 30851065). This variant has been observed in two individuals affected with breast cancer (PMID: 25186627, 30287823) and an individual affected with colorectal cancer (PMID: 18996005). In a large breast cancer case-control study, this variant was reported in 4/60466 cases and 7/53461 unaffected controls (PMID: 33471991). A different missense variant affecting the same position, p.Arg145Trp, is considered to be disease-causing (ClinVar variation ID: 5592), suggesting that arginine at this position is important for protein structure and function. This variant has been identified in 4/251292 chromosomes in the general population by the Genome Aggregation Database (gnomAD). The available evidence is insufficient to determine the role of this variant in disease conclusively. Therefore, this variant is classified as a Variant of Uncertain Significance.

Catlab - Consorci Sanitari de Terrassa
Classification: Uncertain significance for Hereditary cancer-predisposing syndrome. Last evaluated: 2024-11-05. Review status: criteria provided, single submitter. Criteria: ACMG Guidelines, 2015. Collection method: clinical testing. Allele origin: germline.
Comment: Based on the currently available information, this variant is classified as Variant of Uncertain Significance according to ACMG Richards 2015 guidelines. ACMG criteria: PM2_supp, PM5, BS3.

Baylor Genetics
Classification: Uncertain significance for Familial cancer of breast. Last evaluated: 2024-02-09. Review status: criteria provided, single submitter. Criteria: ACMG Guidelines, 2015. Collection method: clinical testing. Allele origin: unknown.

GeneDx
Classification: Uncertain significance. Last evaluated: 2023-08-22. Review status: criteria provided, single submitter. Criteria: GeneDx Variant Classification Process June 2021. Collection method: clinical testing. Allele origin: germline. Affected: yes.
Comment: Not observed at significant frequency in large population cohorts (gnomAD); In silico analysis supports that this missense variant has a deleterious effect on protein structure/function; Identified in individuals with breast or colorectal cancer, but also in cancer-free controls (Kleibl et al., 2009; Tung et al., 2015; Hauke et al., 2018; Dorling et al., 2021; Momozawa et al., 2018); Published functional studies demonstrate colony growth following DNA damage similar to wild-type a yeast-based assay (Delimitsou et al., 2019); This variant is associated with the following publications: (PMID: 18996005, 25186627, 29522266, 22419737, 19782031, 32906215, 33471991, 32322110, 30287823, 30851065)

Myriad Genetics, Inc.
Classification: Uncertain significance for Familial cancer of breast. Last evaluated: 2023-03-09. Review status: criteria provided, single submitter. Criteria: Myriad Autosomal Dominant, Autosomal Recessive and X-Linked Classification Criteria (2023). Collection method: clinical testing. Allele origin: unknown.
Comment: This variant is classified as a variant of uncertain significance as there is insufficient evidence to determine its impact on protein function and/or cancer risk.

Department of Pathology and Laboratory Medicine, Sinai Health System
Classification: Uncertain significance for Li-Fraumeni syndrome. Last evaluated: 2023-01-17. Review status: criteria provided, single submitter. Criteria: ACMG Guidelines, 2015. Collection method: clinical testing. Allele origin: germline. Affected: yes.

Fulgent Genetics
Classification: Uncertain significance for Familial cancer of breast; Colorectal cancer; Familial prostate cancer; Bone osteosarcoma; CHEK2-related cancer predisposition. Last evaluated: 2022-03-23. Review status: criteria provided, single submitter. Criteria: ACMG Guidelines, 2015. Collection method: clinical testing. Allele origin: unknown.

Blueprint Genetics
Classification: Uncertain significance. Last evaluated: 2022-01-27. Review status: criteria provided, single submitter. Criteria: ACMG Guidelines, 2015. Collection method: clinical testing. Allele origin: germline.

Institute for Clinical Genetics, University Hospital TU Dresden, University Hospital TU Dresden
Classification: Uncertain significance. Last evaluated: 2021-11-03. Review status: criteria provided, single submitter. Criteria: ACMG Guidelines, 2015. Collection method: clinical testing. Allele origin: germline.

Sema4
Classification: Uncertain significance for Hereditary cancer-predisposing syndrome. Last evaluated: 2021-09-20. Review status: criteria provided, single submitter. Criteria: Sema4 Curation Guidelines. Collection method: curation. Allele origin: germline.
Comment: The CHEK2 c.434G>A (p.R145Q) missense variant has been reported in at least one individual with early onset breast cancer, one individual with colorectal cancer and one individual undergoing testing for suspected hereditary cancer (PMID: 25186627, 18996005, 32906215). In a large breast cancer dataset, it was also reported in 4/60,466 women with breast cancer and 7/53,461 controls (PMID 33471991). This variant was observed in 4/113586 chromosomes in the Non-Finnish European population according to the Genome Aggregation Database (PMID: PMID: 32461654). This variant has been reported in ClinVar (Variation ID 141337). In silico predictions of the variant's effect on protein function are inconclusive and functional studies in yeast suggest that this variant is benign (PMID 30851065). A different missense change at this codon (c.433C>T, p.R145W) has been classified as likely pathogenic in our laboratory, and has been reported in heterozygosity in at least several individuals with various types of cancer (PMID: 22419737, 23334666, 26681312, 30322717, 30303537). The overall evidence is insufficient to meet ACMG/AMP criteria for classifying it as benign or pathogenic. In summary, the clinical significance of this variant is currently uncertain.

Illumina Laboratory Services, Illumina
Classification: Uncertain significance for CHEK2-Related Cancer Susceptibility. Last evaluated: 2017-06-13. Review status: criteria provided, single submitter. Criteria: ICSL Variant Classification Criteria 13 December 2019. Collection method: clinical testing. Allele origin: germline.

Institute for Biomarker Research, Medical Diagnostic Laboratories, L.L.C.
Classification: Uncertain significance for Hereditary cancer-predisposing syndrome. Last evaluated: 2021-09-15. Review status: no assertion criteria provided. Collection method: clinical testing. Allele origin: germline. Not counted in ClinVar's aggregate classification.

Counsyl
Classification: Uncertain significance for Familial cancer of breast. Last evaluated: 2016-08-29. Review status: no assertion criteria provided. Collection method: clinical testing. Allele origin: unknown. Not counted in ClinVar's aggregate classification.

Literature cited by the submitters: PubMed 18996005 (cited by 6 submitters); PubMed 25186627 (cited by 6 submitters); PubMed 30287823 (cited by Labcorp Genetics (formerly Invitae), Labcorp and Color Diagnostics, LLC DBA Color Health); PubMed 30851065 (cited by 7 submitters); PubMed 37449874 (cited by 4 submitters); PubMed 11719428 (cited by Labcorp Genetics (formerly Invitae), Labcorp); PubMed 16982735 (cited by Labcorp Genetics (formerly Invitae), Labcorp); PubMed 22419737 (cited by Labcorp Genetics (formerly Invitae), Labcorp and Sema4); PubMed 39642869 (cited by Center for Genomic Medicine, Rigshospitalet, Copenhagen University Hospital); PubMed 39208550 (cited by Center for Genomic Medicine, Rigshospitalet, Copenhagen University Hospital); PubMed 32906215 (cited by Women's Health and Genetics/Laboratory Corporation of America, LabCorp and Sema4); PubMed 34326862 (cited by Women's Health and Genetics/Laboratory Corporation of America, LabCorp); PubMed 37060015 (cited by Women's Health and Genetics/Laboratory Corporation of America, LabCorp); PubMed 39492936 (cited by Women's Health and Genetics/Laboratory Corporation of America, LabCorp); PubMed 39684258 (cited by Women's Health and Genetics/Laboratory Corporation of America, LabCorp); PubMed 36140642 (cited by Women's Health and Genetics/Laboratory Corporation of America, LabCorp); PubMed 40749126 (cited by Women's Health and Genetics/Laboratory Corporation of America, LabCorp); PubMed 29522266 (cited by Ambry Genetics); PubMed 33471991 (cited by 4 submitters); PubMed 23334666 (cited by Sema4); PubMed 26681312 (cited by Sema4); PubMed 30322717 (cited by Sema4); PubMed 30303537 (cited by Sema4).